The following is an entry in ClinVar:

NM_018122.5(DARS2):c.753G>T (p.Met251Ile)

Gene: DARS2 (aspartyl-tRNA synthetase 2, mitochondrial; plus strand). Cytogenetic location: 1q25.1.
Variant type: single nucleotide variant.
Coding change: c.753G>T on transcript NM_018122.5 (MANE Select); coding-DNA position 753, G replaced by T.
Protein change: p.Met251Ile; replaces methionine 251 with isoleucine.
Molecular consequence: missense variant.
Genome position (GRCh38, 1-based): chr1:173,837,029, G>T. VCF-style: chr1-173837029-G-T. GRCh37 (hg19) VCF-style: chr1-173806167-G-T.
Other names: NM_001365213.2:c.753G>T; c.753G>T, p.Met251Ile (NM_001365212.1, NM_001365213.2); short protein forms M251I.
Identifiers: ClinVar variation 3776830 (VCV003776830.1).

ClinVar aggregate classification (germline): Uncertain significance (1 of 4 stars; one submission).

Conditions:
Leukoencephalopathy with brain stem and spinal cord involvement-high lactate syndrome (LBSL). Also called: Leukoencephalopathy with Brainstem and Spinal Cord Involvement and Lactate Elevation; MITOCHONDRIAL ASPARTYL-tRNA SYNTHETASE DEFICIENCY; LEUKOENCEPHALOPATHY WITH BRAINSTEM AND SPINAL CORD INVOLVEMENT AND LACTATE ELEVATION, MILD. Identifiers: Orphanet 137898, MedGen C1970180, MONDO:0012622, OMIM 611105.

gnomAD v4.1: 3 of 1,613,754 alleles (0.00019%); highest among the groups gnomAD compares: Non-Finnish European, 0.00025%; no homozygotes.

Submission:

Broad Center for Mendelian Genomics, Broad Institute of MIT and Harvard
Classification: Uncertain significance for Leukoencephalopathy with brain stem and spinal cord involvement-high lactate syndrome. Last evaluated: 2025-01-22. Review status: criteria provided, single submitter. Criteria: ACMG Guidelines, 2015. Collection method: curation. Allele origin: germline. Inheritance: Autosomal recessive inheritance.
Comment: The p.Met251Ile variant in DARS2 has been reported, in the compound heterozygous state, in 1 individual with leukoencephalopathy with brain stem and spinal cord involvement-high lactate syndrome (PMID: 37563224), and has been identified in 0.0003% (3/1179916) of European (non-Finnish) chromosomes by the Genome Aggregation Database (gnomAD; dbSNP rs1261337204). Although this variant has been seen in the general population in a heterozygous state, its frequency is low enough to be consistent with a recessive carrier frequency. Computational prediction tools and conservation analyses suggest that this variant may impact the protein, though this information is not predictive enough to determine pathogenicity. In summary, the clinical significance of the p.Met251Ile variant is uncertain. ACMG/AMP Criteria applied: PP3, PM2_supporting, PM3_supporting (Richards 2015).